The following is an entry in ClinVar:

ClinVar aggregate classification (germline): Uncertain significance. Review status: criteria provided, multiple submitters, no conflicts (2 of 4 stars). 2 submissions from 2 submitters: Uncertain significance (2). Last evaluated 2023-10-03.

Allele frequency attached by ClinVar (database versions not stated): gnomAD 0.00003; ExAC 0.00004; gnomAD exomes 0.00005; TOPMed 0.00005; ESP Exome Variant Server 0.00015.

Submissions (2):

Labcorp Genetics (formerly Invitae), Labcorp
Classification: Uncertain significance. Last evaluated: 2023-10-03. Review status: criteria provided, single submitter. Criteria: Invitae Variant Classification Sherloc (09022015). Collection method: clinical testing. Allele origin: germline.
Comment: This sequence change replaces asparagine, which is neutral and polar, with serine, which is neutral and polar, at codon 247 of the NOTCH3 protein (p.Asn247Ser). This variant is present in population databases (rs150491687, gnomAD 0.006%). This variant has not been reported in the literature in individuals affected with NOTCH3-related conditions. ClinVar contains an entry for this variant (Variation ID: 1807355). Advanced modeling of protein sequence and biophysical properties (such as structural, functional, and spatial information, amino acid conservation, physicochemical variation, residue mobility, and thermodynamic stability) has been performed at Invitae for this missense variant, however the output from this modeling did not meet the statistical confidence thresholds required to predict the impact of this variant on NOTCH3 protein function. In summary, the available evidence is currently insufficient to determine the role of this variant in disease. Therefore, it has been classified as a Variant of Uncertain Significance.

Athena Diagnostics
Classification: Uncertain significance. Last evaluated: 2022-04-13. Review status: criteria provided, single submitter. Criteria: Athena Diagnostics Criteria. Collection method: clinical testing. Allele origin: unknown.

NM_000435.3(NOTCH3):c.740A>G (p.Asn247Ser)

Gene: NOTCH3 (notch receptor 3; minus strand). Cytogenetic location: 19p13.12.
Variant type: single nucleotide variant.
Coding change: c.740A>G on transcript NM_000435.3 (MANE Select); coding-DNA position 740, A replaced by G.
Protein change: p.Asn247Ser; replaces asparagine 247 with serine.
Molecular consequence: missense variant.
Genome position (GRCh38, 1-based): chr19:15,191,807, T>C on the plus strand (A>G on the coding strand, the complement: NOTCH3 is on the minus strand). VCF-style: chr19-15191807-T-C. GRCh37 (hg19) VCF-style: chr19-15302618-T-C.
Other names: short protein forms N247S.
Identifiers: ClinVar variation 1807355 (VCV001807355.3), dbSNP rs150491687, ClinGen allele CA9263800.
Genomic context (GRCh38, chr19:15,191,807, plus strand): 5'-GTCCACTCAGGAGGGCACTGGCAGTTATAGGTGTTGACGCCATCCACGCATGTCCCCCCA[T>C]TGAGACATCGGTGTCCTGGACAGTCGTCCACGTTCACTTCACAATTCTGACCCTCAAACC-3'
Protein context (NP_000426.2, residues 237-257): VDDCPGHRCL[Asn247Ser]GGTCVDGVNT